The following is an entry in ClinVar:

ClinVar aggregate classification (germline): Uncertain significance (1 of 4 stars; one submission).

gnomAD v4.1: 4 of 1,614,062 alleles (0.00025%); highest among the groups gnomAD compares: Admixed American, 0.0017%; no homozygotes.

Submission:

Labcorp Genetics (formerly Invitae), Labcorp
Classification: Uncertain significance. Last evaluated: 2023-08-25. Review status: criteria provided, single submitter. Criteria: Invitae Variant Classification Sherloc (09022015). Collection method: clinical testing. Allele origin: germline.
Comment: This variant has not been reported in the literature in individuals affected with MCM3AP-related conditions. In summary, the available evidence is currently insufficient to determine the role of this variant in disease. Therefore, it has been classified as a Variant of Uncertain Significance. Algorithms developed to predict the effect of missense changes on protein structure and function output the following: SIFT: "Not Available"; PolyPhen-2: "Benign"; Align-GVGD: "Not Available". The lysine amino acid residue is found in multiple mammalian species, which suggests that this missense change does not adversely affect protein function. This variant is present in population databases (no rsID available, gnomAD no frequency). This sequence change replaces threonine, which is neutral and polar, with lysine, which is basic and polar, at codon 1942 of the MCM3AP protein (p.Thr1942Lys).

NM_003906.5(MCM3AP):c.5825C>A (p.Thr1942Lys)

Genes: MCM3AP (minichromosome maintenance complex component 3 associated protein; minus strand), MCM3AP-AS1 (MCM3AP antisense RNA 1; plus strand). Cytogenetic location: 21q22.3.
Variant type: single nucleotide variant.
Coding change: c.5825C>A on transcript NM_003906.5 (MANE Select); coding-DNA position 5825, C replaced by A.
Protein change: p.Thr1942Lys; replaces threonine 1942 with lysine.
Molecular consequence: missense variant.
Genome position (GRCh38, 1-based): chr21:46,235,386, G>T on the plus strand (C>A on the coding strand, the complement: MCM3AP is on the minus strand). VCF-style: chr21-46235386-G-T. GRCh37 (hg19) VCF-style: chr21-47655300-G-T.
Other names: short protein forms T1942K.
Identifiers: ClinVar variation 2990607 (VCV002990607.3), dbSNP rs766362107, ClinGen allele CA321972927.